The following is an entry in ClinVar:

NM_201596.3(CACNB2):c.711T>C (p.Asn237=)

Gene: CACNB2 (calcium voltage-gated channel auxiliary subunit beta 2; plus strand). Cytogenetic location: 10p12.31.
Variant type: single nucleotide variant.
Coding change: c.711T>C on transcript NM_201596.3 (MANE Select); coding-DNA position 711, T replaced by C.
Protein change: p.Asn237=; no amino-acid change (asparagine 237 retained).
Molecular consequence: synonymous variant. On other transcripts: intron variant (5).
Genome position (GRCh38, 1-based): chr10:18,514,276, T>C. VCF-style: chr10-18514276-T-C. GRCh37 (hg19) VCF-style: chr10-18803205-T-C.
Other names: c.546T>C, p.Asn182= (NM_000724.4); c.567T>C, p.Asn189= (NM_201570.3); c.627T>C, p.Asn209= (NM_201571.4); c.549T>C, p.Asn183= (NM_201590.3); c.587-235T>C (NM_001167945.2); c.587-704T>C (NM_201572.4); c.671-235T>C (NM_201593.3); c.671-704T>C (NM_201597.3); and 1 more.
Identifiers: ClinVar variation 712160 (VCV000712160.13), dbSNP rs570005089, ClinGen allele CA5429710.

ClinVar aggregate classification (germline): Benign/Likely benign. Review status: criteria provided, multiple submitters, no conflicts (2 of 4 stars). 3 submissions from 3 submitters: Benign (1); Likely benign (1). 1 of the submissions does not count toward it. Last evaluated 2025-09-15.

Conditions:
Brugada syndrome 4 (BRGDA4). Identifiers: Orphanet 130, MedGen C2678477, MONDO:0012743, OMIM 611876.
CACNB2-related disorder. Also called: CACNB2-related condition.
Cardiovascular phenotype. Identifiers: MedGen CN230736.

Allele frequency attached by ClinVar (database versions not stated): gnomAD below 0.00001 and 0.00015; TOPMed 0.00002; gnomAD exomes 0.00013 and 0.00029; ExAC 0.00035; 1000 Genomes Project 30x 0.00078; 1000 Genomes Project 0.00080.
gnomAD v4.1: 227 of 1,614,098 alleles (0.014%); highest among the groups gnomAD compares: South Asian, 0.23%; no homozygotes.

Submissions (3):

Labcorp Genetics (formerly Invitae), Labcorp
Classification: Benign for Brugada syndrome 4. Last evaluated: 2025-09-15. Review status: criteria provided, single submitter. Criteria: Invitae Variant Classification Sherloc (09022015). Collection method: clinical testing. Allele origin: germline.

Ambry Genetics
Classification: Likely benign for Cardiovascular phenotype. Last evaluated: 2019-06-10. Review status: criteria provided, single submitter. Criteria: Ambry Variant Classification Scheme 2023. Collection method: clinical testing. Allele origin: germline.

PreventionGenetics, part of Exact Sciences
Classification: Likely benign for CACNB2-related condition. Last evaluated: 2019-06-28. Review status: no assertion criteria provided. Collection method: clinical testing. Allele origin: germline. Not counted in ClinVar's aggregate classification.
Comment: This variant is classified as likely benign based on ACMG/AMP sequence variant interpretation guidelines (Richards et al. 2015 PMID: 25741868, with internal and published modifications).